The following is an entry in ClinVar:

NM_001128148.3(TFRC):c.1619C>T (p.Ala540Val)

Gene: TFRC (transferrin receptor; minus strand). Cytogenetic location: 3q29.
Variant type: single nucleotide variant.
Coding change: c.1619C>T on transcript NM_001128148.3 (MANE Select); coding-DNA position 1619, C replaced by T.
Protein change: p.Ala540Val; replaces alanine 540 with valine.
Molecular consequence: missense variant.
Genome position (GRCh38, 1-based): chr3:196,058,342, G>A on the plus strand (C>T on the coding strand, the complement: TFRC is on the minus strand). VCF-style: chr3-196058342-G-A. GRCh37 (hg19) VCF-style: chr3-195785213-G-A.
Other names: c.1376C>T, p.Ala459Val (NM_001313965.2); c.773C>T, p.Ala258Val (NM_001313966.2); c.1619C>T, p.Ala540Val (NM_003234.4); c.1619C>T (NM_003234.2); short protein forms A258V, A459V, A540V.
Identifiers: ClinVar variation 1400674 (VCV001400674.8), dbSNP rs766912863, ClinGen allele CA2777832.

ClinVar aggregate classification (germline): Uncertain significance. Review status: criteria provided, multiple submitters, no conflicts (2 of 4 stars). 2 submissions from 2 submitters: Uncertain significance (2). Last evaluated 2025-10-23.

Conditions:
Inborn genetic diseases. Identifiers: MedGen C0950123, MeSH D030342.

Allele frequency attached by ClinVar (database versions not stated): gnomAD exomes 0.00001; ExAC 0.00002; TOPMed 0.00005; gnomAD 0.00009.
gnomAD v4.1: 21 of 1,613,890 alleles (0.0013%); highest among the groups gnomAD compares: African/African-American, 0.028%; no homozygotes.

Submissions (2):

Ambry Genetics
Classification: Uncertain significance for Inborn genetic diseases. Last evaluated: 2025-10-23. Review status: criteria provided, single submitter. Criteria: Ambry Variant Classification Scheme 2023. Collection method: clinical testing. Allele origin: germline.

Labcorp Genetics (formerly Invitae), Labcorp
Classification: Uncertain significance. Last evaluated: 2025-04-17. Review status: criteria provided, single submitter. Criteria: Invitae Variant Classification Sherloc (09022015). Collection method: clinical testing. Allele origin: germline.
Comment: This sequence change replaces alanine, which is neutral and non-polar, with valine, which is neutral and non-polar, at codon 540 of the TFRC protein (p.Ala540Val). This variant is present in population databases (rs766912863, gnomAD 0.04%). This variant has not been reported in the literature in individuals affected with TFRC-related conditions. ClinVar contains an entry for this variant (Variation ID: 1400674). Invitae Evidence Modeling of protein sequence and biophysical properties (such as structural, functional, and spatial information, amino acid conservation, physicochemical variation, residue mobility, and thermodynamic stability) indicates that this missense variant is expected to disrupt TFRC protein function with a positive predictive value of 80%. In summary, the available evidence is currently insufficient to determine the role of this variant in disease. Therefore, it has been classified as a Variant of Uncertain Significance.